The following is an entry in ClinVar:

ClinVar aggregate classification (germline): Uncertain significance (1 of 4 stars; one submission).

Submission:

GeneDx
Classification: Uncertain significance. Last evaluated: 2025-08-19. Review status: criteria provided, single submitter. Criteria: GeneDx Variant Classification Process June 2021. Collection method: clinical testing. Allele origin: germline.
Comment: Not observed at significant frequency in large population cohorts (gnomAD); In silico analysis suggests that this missense variant does not alter protein structure/function; Has not been previously published as pathogenic or benign to our knowledge

NM_001374828.1(ARID1B):c.1710C>G (p.Ser570Arg)

Gene: ARID1B (AT-rich interaction domain 1B; plus strand). Cytogenetic location: 6q25.3.
Variant type: single nucleotide variant.
Coding change: c.1710C>G on transcript NM_001374828.1 (MANE Select); coding-DNA position 1710, C replaced by G.
Protein change: p.Ser570Arg; replaces serine 570 with arginine.
Molecular consequence: missense variant.
Genome position (GRCh38, 1-based): chr6:156,779,390, C>G. VCF-style: chr6-156779390-C-G. GRCh37 (hg19) VCF-style: chr6-157100524-C-G.
Other names: c.1710C>G, p.Ser570Arg (NM_001371656.1, NM_001374820.1, NM_017519.3); c.1461C>G (NM_020732.3); short protein forms S570R.
Identifiers: ClinVar variation 3573752 (VCV003573752.2).